The following is an entry in ClinVar:

ClinVar aggregate classification (germline): Uncertain significance. Review status: criteria provided, multiple submitters, no conflicts (2 of 4 stars). 2 submissions from 2 submitters: Uncertain significance (2). Last evaluated 2024-02-08.

Conditions:
Kabuki syndrome 1 (KABUK1). Also called: KMT2D-Related Kabuki Syndrome. Identifiers: Orphanet 2322, MedGen CN030661, MONDO:0007843, OMIM 147920.
Choanal atresia-athelia-hypothyroidism-delayed puberty-short stature syndrome (BCAHH). Also called: BRANCHIAL ARCH ABNORMALITIES, CHOANAL ATRESIA, ATHELIA, HEARING LOSS, AND HYPOTHYROIDISM SYNDROME. Identifiers: Orphanet 589856, MedGen C5680310, MONDO:0035651, OMIM 620186.
Kabuki syndrome. Also called: NIIKAWA-KUROKI SYNDROME; Kabuki make-up syndrome. Identifiers: Orphanet 2322, MedGen C0796004, MONDO:0016512.

Submissions (2):

Labcorp Genetics (formerly Invitae), Labcorp
Classification: Uncertain significance for Kabuki syndrome. Last evaluated: 2024-02-08. Review status: criteria provided, single submitter. Criteria: Invitae Variant Classification Sherloc (09022015). Collection method: clinical testing. Allele origin: germline.
Comment: This variant, c.9772_9774del, results in the deletion of 1 amino acid(s) of the KMT2D protein (p.Lys3258del), but otherwise preserves the integrity of the reading frame. This variant is not present in population databases (gnomAD no frequency). This variant has not been reported in the literature in individuals affected with KMT2D-related conditions. Experimental studies and prediction algorithms are not available or were not evaluated, and the functional significance of this variant is currently unknown. In summary, the available evidence is currently insufficient to determine the role of this variant in disease. Therefore, it has been classified as a Variant of Uncertain Significance.

Fulgent Genetics
Classification: Uncertain significance for Kabuki syndrome 1; Choanal atresia-athelia-hypothyroidism-delayed puberty-short stature syndrome. Last evaluated: 2024-01-12. Review status: criteria provided, single submitter. Criteria: ACMG Guidelines, 2015. Collection method: clinical testing. Allele origin: germline.

NM_003482.4(KMT2D):c.9769AAG[1] (p.Lys3258del)

Gene: KMT2D (lysine methyltransferase 2D; minus strand). Cytogenetic location: 12q13.12.
Variant type: Microsatellite.
Coding change: c.9769AAG[1] on transcript NM_003482.4 (MANE Select); one copy of the 3-base unit AAG starting at c.9769; the reference has two copies in a row; one copy, 3 bases deleted; also written c.9772_9774del.
Protein change: p.Lys3258del; deletes lysine 3258.
Molecular consequence: inframe deletion.
Genome position (GRCh38, 1-based): chr12:49,037,582-49,037,584, CTT deleted on the plus strand (AAG on the coding strand, the reverse complement: KMT2D is on the minus strand); deleting any 3 consecutive bases within chr12:49,037,582-49,037,589 gives the same sequence; the position shown is the placement nearest the transcript's 3' end. VCF-style (leftmost placement, unchanged base first): chr12-49037581-CCTT-C. GRCh37 (hg19) VCF-style: chr12-49431364-CCTT-C.
Other names: c.9772_9774del (NM_003482.4); short protein forms K3258del.
Identifiers: ClinVar variation 2873017 (VCV002873017.4), dbSNP rs2120482259, ClinGen allele CA2575160593.